The following is an entry in ClinVar:

ClinVar aggregate classification (germline): Uncertain significance. Review status: criteria provided, multiple submitters, no conflicts (2 of 4 stars). 2 submissions from 2 submitters: Uncertain significance (2). Last evaluated 2025-08-28.

Conditions:
SDCCAG8-related disorder. Also called: SDCCAG8-related condition; SDCCAG8-Related Disorders.
Inborn genetic diseases. Identifiers: MedGen C0950123, MeSH D030342.

Allele frequency attached by ClinVar (database versions not stated): gnomAD 0.00001; ExAC 0.00002.
gnomAD v4.1: 5 of 1,613,744 alleles (0.00031%); highest among the groups gnomAD compares: Admixed American, 0.0083%; no homozygotes.

Submissions (2):

Ambry Genetics
Classification: Uncertain significance for Inborn genetic diseases. Last evaluated: 2025-08-28. Review status: criteria provided, single submitter. Criteria: Ambry Variant Classification Scheme 2023. Collection method: clinical testing. Allele origin: germline.

PreventionGenetics, part of Exact Sciences
Classification: Uncertain significance for SDCCAG8-related condition. Last evaluated: 2024-10-04. Review status: criteria provided, single submitter. Criteria: ACMG Guidelines, 2015. Collection method: clinical testing. Allele origin: germline.
Comment: The SDCCAG8 c.1667A>C variant is predicted to result in the amino acid substitution p.Gln556Pro. To our knowledge, this variant has not been reported in the literature. This variant is reported in 0.0087% of alleles in individuals of Latino descent in gnomAD. At this time, the clinical significance of this variant is uncertain due to the absence of conclusive functional and genetic evidence.

NM_006642.5(SDCCAG8):c.1667A>C (p.Gln556Pro)

Gene: SDCCAG8 (SHH signaling and ciliogenesis regulator SDCCAG8; plus strand). Cytogenetic location: 1q43.
Variant type: single nucleotide variant.
Coding change: c.1667A>C on transcript NM_006642.5 (MANE Select); coding-DNA position 1667, A replaced by C.
Protein change: p.Gln556Pro; replaces glutamine 556 with proline.
Molecular consequence: missense variant.
Genome position (GRCh38, 1-based): chr1:243,415,752, A>C. VCF-style: chr1-243415752-A-C. GRCh37 (hg19) VCF-style: chr1-243579054-A-C.
Other names: c.764A>C, p.Gln255Pro (NM_001350246.2, NM_001350247.2, NM_001350251.2); c.1763A>C, p.Gln588Pro (NM_001350248.2); c.1373A>C, p.Gln458Pro (NM_001350249.2); short protein forms Q255P, Q458P, Q556P, Q588P.
Identifiers: ClinVar variation 3057372 (VCV003057372.4), dbSNP rs761699906, ClinGen allele CA1483703.
Genomic context (GRCh38, chr1:243,415,752, plus strand): 5'-TGTTTTGCAGACAGGAAAAAGATAGCATTCAGCAGAGCTTTAGCAAGGAAGCAAAGGCCC[A>C]AGCCCTTCAGGCCCAGCAAAGAGAGCAGGAGCTGACACAGAAGATACAGCAAATGGAGGC-3'
Protein context (NP_006633.1, residues 546-566): QQSFSKEAKA[Gln556Pro]ALQAQQREQE